The following is an entry in ClinVar:

NM_007375.4(TARDBP):c.808_811del (p.Leu270fs)

Gene: TARDBP (TAR DNA binding protein; plus strand). Cytogenetic location: 1p36.22.
Variant type: Deletion.
Coding change: c.808_811del on transcript NM_007375.4 (MANE Select); coding-DNA positions 808 to 811, 4 bases deleted (TTAG; older notation c.808_811delTTAG).
Protein change: p.Leu270fs; shifts the reading frame from leucine 270.
Molecular consequence: frameshift variant.
Genome position (GRCh38, 1-based): chr1:11,022,217-11,022,220, TTAG deleted; deleting any 4 consecutive bases within chr1:11,022,215-11,022,220 gives the same sequence; the c. name uses the placement nearest the transcript's 3' end. VCF-style (leftmost placement, unchanged base first): chr1-11022214-CAGTT-C. GRCh37 (hg19) VCF-style: chr1-11082271-CAGTT-C.
Other names: c.808_811delTTAG, p.Leu270Lysfs (NM_007375.3); short protein forms L270fs.
Identifiers: ClinVar variation 3365186 (VCV003365186.1).

ClinVar aggregate classification (germline): Uncertain significance (1 of 4 stars; one submission).

Submission:

GeneDx
Classification: Uncertain significance. Last evaluated: 2023-12-06. Review status: criteria provided, single submitter. Criteria: GeneDx Variant Classification Process June 2021. Collection method: clinical testing. Allele origin: germline. Affected: yes.
Comment: Not observed at significant frequency in large population cohorts (gnomAD); Frameshift variant predicted to result in abnormal protein length as the last 145 amino acids are replaced with 40 different amino acids; Has not been previously published as pathogenic or benign to our knowledge; This variant is associated with the following publications: (PMID: 20301761)